The following is an entry in ClinVar:

ClinVar aggregate classification (germline): Likely pathogenic. Review status: reviewed by expert panel (3 of 4 stars). 3 submissions from 3 submitters: Likely pathogenic (1). 2 of the submissions do not count toward it. Last evaluated 2019-07-07.

Conditions:
Phenylketonuria (PKU). Also called: OLIGOPHRENIA PHENYLPYRUVICA; Phenylketonurias; FOLLING DISEASE; Phenylketonuria (PKU). Identifiers: Orphanet 716, MedGen C0031485, MONDO:0009861, OMIM 261600. Disease mechanism: loss of function.

Submissions (3):

ClinGen PAH Variant Curation Expert Panel
Classification: Likely pathogenic for Phenylketonuria. Last evaluated: 2019-07-07. Review status: reviewed by expert panel. Criteria: ClinGen PAH ACMG Specifications v1. Collection method: curation. Allele origin: germline. Inheritance: Autosomal recessive inheritance.
Comment: The c.3G>C (p.Met1Ile) variant in PAH is a null variant (start loss) where LOF is a known mechanism of disease. There are no known alternative start codons in other transcripts. The next in-frame Met is at amino acid 180 in exon 6. There are 49 pathogenic variants in ClinVar upstream of aa 180. The p.Met1Val variant has <3% enzyme activity as compared to wild type (PMID: 9450897), confirming start loss variants lead to loss of function of the PAH enzyme without re-initiation. This variant is absent in population databases (PM2). This variant has not been reported in an affected individual in the literature to our knowledge. In summary, this variant meets criteria to be classified as likely pathogenic for PAH. PAH-specific ACMG/AMP criteria applied: PM2, PVS1.

Labcorp Genetics (formerly Invitae), Labcorp
Classification: Pathogenic for Phenylketonuria. Last evaluated: 2023-09-05. Review status: criteria provided, single submitter. Criteria: Invitae Variant Classification Sherloc (09022015). Collection method: clinical testing. Allele origin: germline. Not counted in ClinVar's aggregate classification.
Comment: This sequence change affects the initiator methionine of the PAH mRNA. The next in-frame methionine is located at codon 180. This variant is not present in population databases (gnomAD no frequency). Disruption of the initiator codon has been observed in individual(s) with hyperphenylalaninemia (PMID: 2574002, 10679941, 24941924, 30159852). In at least one individual the data is consistent with being in trans (on the opposite chromosome) from a pathogenic variant. ClinVar contains an entry for this variant (Variation ID: 585206). For these reasons, this variant has been classified as Pathogenic.

Clinical Laboratory, Xuzhou Maternity and Child Health Care Hospital
Classification: Pathogenic for Phenylketonuria. Last evaluated: 2018-06-26. Review status: no assertion criteria provided. Collection method: case-control. Allele origin: inherited. Affected: yes. Observed: 1 variant allele. Not counted in ClinVar's aggregate classification.

Literature cited by the submitters: PubMed 2574002 (cited by Labcorp Genetics (formerly Invitae), Labcorp); PubMed 10679941 (cited by Labcorp Genetics (formerly Invitae), Labcorp); PubMed 24941924 (cited by Labcorp Genetics (formerly Invitae), Labcorp); PubMed 30159852 (cited by Labcorp Genetics (formerly Invitae), Labcorp).

NM_000277.3(PAH):c.3G>C (p.Met1Ile)

Gene: PAH (phenylalanine hydroxylase; minus strand). Cytogenetic location: 12q23.2.
Variant type: single nucleotide variant.
Coding change: c.3G>C on transcript NM_000277.3 (MANE Select); coding-DNA position 3, G replaced by C.
Protein change: p.Met1Ile; changes the start codon (methionine 1).
Molecular consequence: missense variant, initiator codon variant.
Genome position (GRCh38, 1-based): chr12:102,917,128, C>G on the plus strand (G>C on the coding strand, the complement: PAH is on the minus strand). VCF-style: chr12-102917128-C-G. GRCh37 (hg19) VCF-style: chr12-103310906-C-G.
Other names: c.3G>C, p.Met1Ile (NM_001354304.2); short protein forms M1I.
Identifiers: ClinVar variation 585206 (VCV000585206.7), dbSNP rs62514893, ClinGen allele CA386303909.
Genomic context (GRCh38, chr12:102,917,128, plus strand): 5'-CACCTGTCCAAAGTCAGAGAGTTTCCTGCCCAAGCCTGGGTTTTCCAGGACCGCAGTGGA[C>G]ATGCTGGCTCCCCGGGAGTGAGGTCTCTGGCTTTTTAGGGCCTCAGGTACAGGCAGGTTT-3'
Protein context (NP_000268.1, residues 1-11): [Met1Ile]STAVLENPGL